The following is an entry in ClinVar:

ClinVar aggregate classification (germline): Uncertain significance. Review status: criteria provided, multiple submitters, no conflicts (2 of 4 stars). 2 submissions from 2 submitters: Uncertain significance (2). Last evaluated 2026-01-26.

Conditions:
Inborn genetic diseases. Identifiers: MedGen C0950123, MeSH D030342.

Allele frequency attached by ClinVar (database versions not stated): gnomAD 0.00002; gnomAD exomes 0.00002; TOPMed 0.00003.
gnomAD v4.1: 14 of 1,613,812 alleles (0.00087%); highest among the groups gnomAD compares: Admixed American, 0.023%; no homozygotes.

Submissions (2):

Labcorp Genetics (formerly Invitae), Labcorp
Classification: Uncertain significance. Last evaluated: 2026-01-26. Review status: criteria provided, single submitter. Criteria: Invitae Variant Classification Sherloc (09022015). Collection method: clinical testing. Allele origin: germline.
Comment: This sequence change replaces valine, which is neutral and non-polar, with isoleucine, which is neutral and non-polar, at codon 223 of the MYSM1 protein (p.Val223Ile). This variant is present in population databases (no rsID available, gnomAD 0.01%). This variant has not been reported in the literature in individuals affected with MYSM1-related conditions. ClinVar contains an entry for this variant (Variation ID: 1421250). Invitae Evidence Modeling of protein sequence and biophysical properties (such as structural, functional, and spatial information, amino acid conservation, physicochemical variation, residue mobility, and thermodynamic stability) indicates that this missense variant is not expected to disrupt MYSM1 protein function with a negative predictive value of 80%. In summary, the available evidence is currently insufficient to determine the role of this variant in disease. Therefore, it has been classified as a Variant of Uncertain Significance.

Ambry Genetics
Classification: Uncertain significance for Inborn genetic diseases. Last evaluated: 2024-07-09. Review status: criteria provided, single submitter. Criteria: Ambry Variant Classification Scheme 2023. Collection method: clinical testing. Allele origin: germline.

NM_001085487.3(MYSM1):c.667G>A (p.Val223Ile)

Gene: MYSM1 (Myb like, SWIRM and MPN domains 1; minus strand). Cytogenetic location: 1p32.1.
Variant type: single nucleotide variant.
Coding change: c.667G>A on transcript NM_001085487.3 (MANE Select); coding-DNA position 667, G replaced by A.
Protein change: p.Val223Ile; replaces valine 223 with isoleucine.
Molecular consequence: missense variant.
Genome position (GRCh38, 1-based): chr1:58,682,377, C>T on the plus strand (G>A on the coding strand, the complement: MYSM1 is on the minus strand). VCF-style: chr1-58682377-C-T. GRCh37 (hg19) VCF-style: chr1-59148049-C-T.
Other names: c.667G>A (NM_001085487.2); short protein forms V223I.
Identifiers: ClinVar variation 1421250 (VCV001421250.8), dbSNP rs1243861358, ClinGen allele CA340528918.
Genomic context (GRCh38, chr1:58,682,377, plus strand): 5'-TGCTAGAATTCTTCTGGGGTGTTTGAGAAGACAACTCGTCCACCTCATCTGTGATGTCTA[C>T]TTCTTCATCATCAGATAACTTTTCAATTTTTACAGCATTCAAGTTGGGATCAGCACGTCC-3'
Protein context (NP_001078956.1, residues 213-233): KIEKLSDDEE[Val223Ile]DITDEVDELS